The following is an entry in ClinVar:

NM_000292.3(PHKA2):c.2785G>C (p.Ala929Pro)

Gene: PHKA2 (phosphorylase kinase regulatory subunit alpha 2; minus strand). Cytogenetic location: Xp22.13.
Variant type: single nucleotide variant.
Coding change: c.2785G>C on transcript NM_000292.3 (MANE Select); coding-DNA position 2785, G replaced by C.
Protein change: p.Ala929Pro; replaces alanine 929 with proline.
Molecular consequence: missense variant.
Genome position (GRCh38, 1-based): chrX:18,906,516, C>G on the plus strand (G>C on the coding strand, the complement: PHKA2 is on the minus strand). VCF-style: chrX-18906516-C-G. GRCh37 (hg19) VCF-style: chrX-18924634-C-G.
Other names: short protein forms A929P.
Identifiers: ClinVar variation 803726 (VCV000803726.19), dbSNP rs1324893950, ClinGen allele CA412382197.

ClinVar aggregate classification (germline): Conflicting classifications of pathogenicity. Review status: criteria provided, conflicting classifications (1 of 4 stars). 5 submissions from 5 submitters: Pathogenic (1); Uncertain significance (4). Last evaluated 2024-12-13.

Conditions:
Glycogen storage disease IXa1. Also called: GLYCOGEN STORAGE DISEASE VIII; GSD VIII; Glycogen storage disease 8; LIVER GLYCOGENOSIS, X-LINKED, TYPE I. Identifiers: Orphanet 264580, MedGen C3694531, MONDO:0010598, OMIM 306000.

Allele frequency attached by ClinVar (database versions not stated): TOPMed 0.00001.

Submissions (5):

OLLIN Analises Genomicas, OLLIN
Classification: Uncertain significance for Glycogen storage disease IXa1. Last evaluated: 2024-12-13. Review status: criteria provided, single submitter. Criteria: ACMG Guidelines 2015 PMID 25741868. Collection method: clinical testing. Allele origin: germline. Affected: yes. Observed: 1 variant allele.
Comment: The missense variants (chrX:18906516 C>G and chrX:18906566 A>G, both located in exon 25 (of 33), detected in hemizygosity and therefore in cis, are not described in the gnomAD v4.1 non-UKB databases. In silico analysis predicts a deleterious effect on the protein function. According to the currently available evidence, the variants were classified as VUS (M912T: PM2_P, PP3_S; A929P: PM2_P, PP3_M).

Dasa
Classification: Uncertain significance. Last evaluated: 2024-06-04. Review status: criteria provided, single submitter. Criteria: DASA Assertion Criteria. Collection method: clinical testing. Allele origin: germline.
Comment: NM_000292.3(PHKA2):c.2785G>C (p.Ala929Pro) is a missense variant that results in the substitution of alanine with proline. This variant is rare in population databases. Computational prediction algorithms are consistent with a deleterious effect. The currently available literature and clinical evidence are not sufficient to establish a definitive association between this variant and the reported condition. Therefore, this variant is classified as a variant of uncertain significance.

Labcorp Genetics (formerly Invitae), Labcorp
Classification: Uncertain significance for Glycogen storage disease IXa1. Last evaluated: 2024-02-19. Review status: criteria provided, single submitter. Criteria: Invitae Variant Classification Sherloc (09022015). Collection method: clinical testing. Allele origin: germline.
Comment: This sequence change replaces alanine, which is neutral and non-polar, with proline, which is neutral and non-polar, at codon 929 of the PHKA2 protein (p.Ala929Pro). This variant is not present in population databases (gnomAD no frequency). This variant has not been reported in the literature in individuals affected with PHKA2-related conditions. ClinVar contains an entry for this variant (Variation ID: 803726). Advanced modeling of protein sequence and biophysical properties (such as structural, functional, and spatial information, amino acid conservation, physicochemical variation, residue mobility, and thermodynamic stability) performed at Invitae indicates that this missense variant is expected to disrupt PHKA2 protein function with a positive predictive value of 80%. In summary, the available evidence is currently insufficient to determine the role of this variant in disease. Therefore, it has been classified as a Variant of Uncertain Significance.

Mendelics
Classification: Pathogenic for Glycogen storage disease IXa1. Last evaluated: 2021-08-30. Review status: criteria provided, single submitter. Criteria: Mendelics Assertion Criteria 2017. Collection method: clinical testing. Allele origin: unknown.
Comment: Pathogenic in haplotype with Met912Thr. Haplotype p.[Met912Thr; Ala929Pro]

Laboratorio de Genetica e Diagnostico Molecular, Hospital Israelita Albert Einstein
Classification: Uncertain significance for Glycogen storage disease IXa1. Last evaluated: 2021-05-31. Review status: criteria provided, single submitter. Criteria: ACMG Guidelines, 2015. Collection method: clinical testing. Allele origin: germline. Affected: yes.
Comment: ACMG classification criteria: PM2 moderate, PP3 supporting